The following is an entry in ClinVar:

ClinVar aggregate classification (germline): Uncertain significance. Review status: criteria provided, multiple submitters, no conflicts (2 of 4 stars). 2 submissions from 2 submitters: Uncertain significance (2). Last evaluated 2025-06-24.

Conditions:
Inborn genetic diseases. Identifiers: MedGen C0950123, MeSH D030342.

gnomAD v4.1: 8 of 1,585,070 alleles (0.0005%); highest among the groups gnomAD compares: East Asian, 0.0022%; no homozygotes.

Submissions (2):

Ambry Genetics
Classification: Uncertain significance for Inborn genetic diseases. Last evaluated: 2025-06-24. Review status: criteria provided, single submitter. Criteria: Ambry Variant Classification Scheme 2023. Collection method: clinical testing. Allele origin: germline.

Mayo Clinic Laboratories, Mayo Clinic
Classification: Uncertain significance. Last evaluated: 2024-07-01. Review status: criteria provided, single submitter. Criteria: ACMG Guidelines, 2015. Collection method: clinical testing. Allele origin: germline. Observed: 2 variant alleles.
Comment: BP4, PM2

NM_001009944.3(PKD1):c.7916G>A (p.Arg2639Gln)

Gene: PKD1 (polycystin 1, transient receptor potential channel interacting; minus strand). Cytogenetic location: 16p13.3.
Variant type: single nucleotide variant.
Coding change: c.7916G>A on transcript NM_001009944.3 (MANE Select); coding-DNA position 7916, G replaced by A.
Protein change: p.Arg2639Gln; replaces arginine 2639 with glutamine.
Molecular consequence: missense variant.
Genome position (GRCh38, 1-based): chr16:2,105,422, C>T on the plus strand (G>A on the coding strand, the complement: PKD1 is on the minus strand). VCF-style: chr16-2105422-C-T. GRCh37 (hg19) VCF-style: chr16-2155423-C-T.
Other names: p.Arg2639Gln; c.7916G>A, p.Arg2639Gln (NM_000296.4); c.7916G>A (NM_000296.3); short protein forms R2639Q.
Identifiers: ClinVar variation 3380348 (VCV003380348.2).